The following is an entry in ClinVar:

ClinVar aggregate classification (germline): Uncertain significance. Review status: criteria provided, single submitter (1 of 4 stars). 2 submissions from 2 submitters: Uncertain significance (1). 1 of the submissions does not count toward it. Last evaluated 2025-03-21.

Conditions:
Inborn genetic diseases. Identifiers: MedGen C0950123, MeSH D030342.
NAGS-related disorder. Also called: NAGS-related condition.

Allele frequency attached by ClinVar (database versions not stated): TOPMed below 0.00001; gnomAD 0.00001; gnomAD exomes 0.00001.

Submissions (2):

Ambry Genetics
Classification: Uncertain significance for Inborn genetic diseases. Last evaluated: 2025-03-21. Review status: criteria provided, single submitter. Criteria: Ambry Variant Classification Scheme 2023. Collection method: clinical testing. Allele origin: germline.

PreventionGenetics, part of Exact Sciences
Classification: Uncertain significance for NAGS-related condition. Last evaluated: 2024-06-14. Review status: no assertion criteria provided. Collection method: clinical testing. Allele origin: germline. Not counted in ClinVar's aggregate classification.
Comment: The NAGS c.1313G>A variant is predicted to result in the amino acid substitution p.Gly438Asp. To our knowledge, this variant has not been reported in the literature. This variant is reported in 0.0035% of alleles in individuals of South Asian descent in gnomAD. At this time, the clinical significance of this variant is uncertain due to the absence of conclusive functional and genetic evidence.

NM_153006.3(NAGS):c.1313G>A (p.Gly438Asp)

Gene: NAGS (N-acetylglutamate synthase; plus strand). Cytogenetic location: 17q21.31.
Variant type: single nucleotide variant.
Coding change: c.1313G>A on transcript NM_153006.3 (MANE Select); coding-DNA position 1313, G replaced by A.
Protein change: p.Gly438Asp; replaces glycine 438 with aspartic acid.
Molecular consequence: missense variant.
Genome position (GRCh38, 1-based): chr17:44,007,635, G>A. VCF-style: chr17-44007635-G-A. GRCh37 (hg19) VCF-style: chr17-42085003-G-A.
Other names: short protein forms G438D.
Identifiers: ClinVar variation 2636774 (VCV002636774.3), dbSNP rs1218806474, ClinGen allele CA399727596.